The following is an entry in ClinVar:

NM_015443.4(KANSL1):c.1676A>G (p.His559Arg)

Gene: KANSL1 (KAT8 regulatory NSL complex subunit 1). Cytogenetic location: 17q21.31.
Variant type: single nucleotide variant.
Coding change: c.1676A>G on transcript NM_015443.4 (MANE Select); coding-DNA position 1676, A replaced by G.
Protein change: p.His559Arg; replaces histidine 559 with arginine.
Molecular consequence: missense variant.
Genome position (GRCh38, 1-based): chr17:46,066,709, T>C on the plus strand (A>G on the coding strand, the complement: KANSL1 is on the minus strand). VCF-style: chr17-46066709-T-C. GRCh37 (hg19) VCF-style: chr17-44144075-T-C.
Other names: c.1676A>G, p.His559Arg (NM_001193465.2, NM_001193466.2, NM_001379198.1); short protein forms H559R.
Identifiers: ClinVar variation 323779 (VCV000323779.10), dbSNP rs886053069, ClinGen allele CA10645961.

ClinVar aggregate classification (germline): Conflicting classifications of pathogenicity. Review status: criteria provided, conflicting classifications (1 of 4 stars). 2 submissions from 2 submitters: Uncertain significance (1); Likely benign (1). Last evaluated 2025-02-16.

Conditions:
Koolen-de Vries syndrome (KDVS). Identifiers: Orphanet 96169, MedGen C1864871, MONDO:0012496, OMIM 610443.

Allele frequency attached by ClinVar (database versions not stated): gnomAD exomes below 0.00001 and 0.00001.
gnomAD v4.1: 16 of 1,614,046 alleles (0.00099%); highest among the groups gnomAD compares: Non-Finnish European, 0.0013%; no homozygotes.

Submissions (2):

Laboratory of Genetics, Children's Clinical University Hospital Latvia
Classification: Likely benign. Last evaluated: 2025-02-16. Review status: criteria provided, single submitter. Criteria: ACMG Guidelines, 2015. Collection method: clinical testing. Allele origin: germline. Affected: yes.

Labcorp Genetics (formerly Invitae), Labcorp
Classification: Uncertain significance for Koolen-de Vries syndrome. Last evaluated: 2023-09-22. Review status: criteria provided, single submitter. Criteria: Invitae Variant Classification Sherloc (09022015). Collection method: clinical testing. Allele origin: germline.
Comment: In summary, the available evidence is currently insufficient to determine the role of this variant in disease. Therefore, it has been classified as a Variant of Uncertain Significance. Advanced modeling of protein sequence and biophysical properties (such as structural, functional, and spatial information, amino acid conservation, physicochemical variation, residue mobility, and thermodynamic stability) performed at Invitae indicates that this missense variant is not expected to disrupt KANSL1 protein function. ClinVar contains an entry for this variant (Variation ID: 323779). This variant has not been reported in the literature in individuals affected with KANSL1-related conditions. This variant is present in population databases (no rsID available, gnomAD 0.0009%). This sequence change replaces histidine, which is basic and polar, with arginine, which is basic and polar, at codon 559 of the KANSL1 protein (p.His559Arg).